The following is an entry in ClinVar:

ClinVar aggregate classification (germline): Uncertain significance (1 of 4 stars; one submission).

Conditions:
Neuropathy, hereditary sensory and autonomic, type 2A (HSAN2A). Also called: HSAN IIA; MORVAN DISEASE; NEUROPATHY, CONGENITAL SENSORY; NEUROPATHY, HEREDITARY SENSORY RADICULAR, AUTOSOMAL RECESSIVE; NEUROPATHY, HEREDITARY SENSORY, TYPE IIA; NEUROPATHY, PROGRESSIVE SENSORY, OF CHILDREN. Identifiers: Orphanet 970, MedGen C2752089, MONDO:0024309, OMIM 201300.
Generalized epilepsy with febrile seizures plus, type 7 (GEFSP7). Also called: GEFS+, TYPE 7. Identifiers: Orphanet 36387, MedGen C2751778, MONDO:0013470, OMIM 613863.

Submission:

Labcorp Genetics (formerly Invitae), Labcorp
Classification: Uncertain significance for Neuropathy, hereditary sensory and autonomic, type 2A; Generalized epilepsy with febrile seizures plus, type 7. Last evaluated: 2023-02-04. Review status: criteria provided, single submitter. Criteria: Invitae Variant Classification Sherloc (09022015). Collection method: clinical testing. Allele origin: germline.
Comment: This sequence change replaces phenylalanine, which is neutral and non-polar, with serine, which is neutral and polar, at codon 1771 of the SCN9A protein (p.Phe1771Ser). This variant is not present in population databases (gnomAD no frequency). This variant has not been reported in the literature in individuals affected with SCN9A-related conditions. ClinVar contains an entry for this variant (Variation ID: 943191). Algorithms developed to predict the effect of missense changes on protein structure and function (SIFT, PolyPhen-2, Align-GVGD) all suggest that this variant is likely to be disruptive. In summary, the available evidence is currently insufficient to determine the role of this variant in disease. Therefore, it has been classified as a Variant of Uncertain Significance.

NM_001365536.1(SCN9A):c.5345T>C (p.Phe1782Ser)

Genes: SCN1A-AS1 (SCN1A and SCN9A antisense RNA 1; plus strand), SCN9A (sodium voltage-gated channel alpha subunit 9; minus strand). Cytogenetic location: 2q24.3.
Variant type: single nucleotide variant.
Coding change: c.5345T>C on transcript NM_001365536.1 (MANE Select); coding-DNA position 5345, T replaced by C.
Protein change: p.Phe1782Ser; replaces phenylalanine 1782 with serine.
Molecular consequence: missense variant.
Genome position (GRCh38, 1-based): chr2:166,199,294, A>G on the plus strand (T>C on the coding strand, the complement: SCN9A is on the minus strand). VCF-style: chr2-166199294-A-G. GRCh37 (hg19) VCF-style: chr2-167055804-A-G.
Other names: c.5312T>C, p.Phe1771Ser (NM_002977.4); short protein forms F1771S, F1782S.
Identifiers: ClinVar variation 943191 (VCV000943191.10), dbSNP rs1693362825, ClinGen allele CA349053416.